The following is an entry in ClinVar:

ClinVar aggregate classification (germline): Uncertain significance (1 of 4 stars; one submission).

Conditions:
PLXNA4-related disorder. Also called: PLXNA4-related condition.

gnomAD v4.1: 1 of 1,613,778 alleles (0.000062%); highest among the groups gnomAD compares: East Asian, 0.0022%; no homozygotes.

Submission:

PreventionGenetics, part of Exact Sciences
Classification: Uncertain significance for PLXNA4-related condition. Last evaluated: 2024-12-02. Review status: criteria provided, single submitter. Criteria: ACMG Guidelines, 2015. Collection method: clinical testing. Allele origin: germline.
Comment: The PLXNA4 c.2245C>T variant is predicted to result in premature protein termination (p.Arg749*). To our knowledge, this variant has not been reported in the literature. This variant is reported in 0.0065% of alleles in individuals of European (Non-Finnish) descent in gnomAD. At this time, the clinical significance of this variant is uncertain due to the absence of conclusive functional and genetic evidence.

NM_020911.2(PLXNA4):c.2245C>T (p.Arg749Ter)

Gene: PLXNA4 (plexin A4; minus strand). Cytogenetic location: 7q32.3.
Variant type: single nucleotide variant.
Coding change: c.2245C>T on transcript NM_020911.2 (MANE Select); coding-DNA position 2245, C replaced by T.
Protein change: p.Arg749Ter; replaces arginine 749 with a stop codon.
Molecular consequence: nonsense.
Genome position (GRCh38, 1-based): chr7:132,210,996, G>A on the plus strand (C>T on the coding strand, the complement: PLXNA4 is on the minus strand). VCF-style: chr7-132210996-G-A. GRCh37 (hg19) VCF-style: chr7-131895755-G-A.
Other names: c.2245C>T, p.Arg749Ter (NM_001393897.1); short protein forms R749*.
Identifiers: ClinVar variation 4998148 (VCV004998148.1).